The following is an entry in ClinVar:

ClinVar aggregate classification (germline): Uncertain significance (1 of 4 stars; one submission).

Submission:

Ambry Genetics
Classification: Uncertain significance. Last evaluated: 2026-03-19. Review status: criteria provided, single submitter. Criteria: Ambry Variant Classification Scheme 2023. Collection method: clinical testing. Allele origin: germline.
Comment: The c.805C>T (p.P269S) alteration is located in exon 2 (coding exon 1) of the MAGEB2 gene. This alteration results from a C to T substitution at nucleotide position 805, causing the proline (P) at amino acid position 269 to be replaced by a serine (S). Based on data from gnomAD, the T allele has an overall frequency of 0.005% (1/21942) total alleles studied. The highest observed frequency was 0.16% (1/626) of Latino alleles. Based on insufficient or conflicting evidence, the clinical significance of this alteration remains unclear.

NM_002364.5(MAGEB2):c.805C>T (p.Pro269Ser)

Gene: MAGEB2 (MAGE family member B2; plus strand). Cytogenetic location: Xp21.2.
Variant type: single nucleotide variant.
Coding change: c.805C>T on transcript NM_002364.5 (MANE Select); coding-DNA position 805, C replaced by T.
Protein change: p.Pro269Ser; replaces proline 269 with serine.
Molecular consequence: missense variant.
Genome position (GRCh38, 1-based): chrX:30,219,385, C>T. VCF-style: chrX-30219385-C-T. GRCh37 (hg19) VCF-style: chrX-30237502-C-T.
Other names: short protein forms P269S.
Identifiers: ClinVar variation 4859467 (VCV004859467.1).
Genomic context (GRCh38, chrX:30,219,385, plus strand): 5'-ACCAAAGATCTGGTGCAGGAAAAATATCTGGAGTACAAGCAGGTGCCCAGCAGTGATCCC[C>T]CACGCTTTCAATTCCTGTGGGGTCCGAGAGCCTATGCTGAAACCAGCAAGATGAAAGTCC-3'
Protein context (NP_002355.2, residues 259-279): EYKQVPSSDP[Pro269Ser]RFQFLWGPRA